The following is an entry in ClinVar:

ClinVar aggregate classification (germline): Likely pathogenic (1 of 4 stars; one submission).

Conditions:
Pontocerebellar hypoplasia type 2A (PCH2A). Also called: PONTOCEREBELLAR HYPOPLASIA WITH PROGRESSIVE CEREBRAL ATROPHY; VOLENDAM NEURODEGENERATIVE DISEASE. Identifiers: Orphanet 2524, MedGen C1848526, MONDO:0010190, OMIM 277470.

Allele frequency attached by ClinVar (database versions not stated): gnomAD exomes below 0.00001.
gnomAD v4.1: 2 of 1,614,186 alleles (0.00012%); highest among the groups gnomAD compares: Non-Finnish European, 0.00017%; no homozygotes.

Submission:

Institute of Human Genetics, University of Goettingen
Classification: Likely pathogenic for Pontocerebellar hypoplasia type 2A. Last evaluated: 2019-06-24. Review status: criteria provided, single submitter. Criteria: ACMG Guidelines, 2015. Collection method: clinical testing. Allele origin: germline. Inheritance: Autosomal recessive inheritance. Affected: yes. Observed: 1 compound heterozygote.
Comment: Compound heterozygous occurrence with TSEN54:c.919G>T.

NM_207346.3(TSEN54):c.1535T>C (p.Phe512Ser)

Gene: TSEN54 (tRNA splicing endonuclease subunit 54; plus strand). Cytogenetic location: 17q25.1.
Variant type: single nucleotide variant.
Coding change: c.1535T>C on transcript NM_207346.3 (MANE Select); coding-DNA position 1535, T replaced by C.
Protein change: p.Phe512Ser; replaces phenylalanine 512 with serine.
Molecular consequence: missense variant.
Genome position (GRCh38, 1-based): chr17:75,524,366, T>C. VCF-style: chr17-75524366-T-C. GRCh37 (hg19) VCF-style: chr17-73520447-T-C.
Other names: short protein forms F512S.
Identifiers: ClinVar variation 638161 (VCV000638161.3), dbSNP rs1598480419, ClinGen allele CA401031399.